The following is an entry in ClinVar:

NM_020297.4(ABCC9):c.2792C>T (p.Thr931Ile)

Gene: ABCC9 (ATP binding cassette subfamily C member 9; minus strand). Cytogenetic location: 12p12.1.
Variant type: single nucleotide variant.
Coding change: c.2792C>T on transcript NM_020297.4 (MANE Select); coding-DNA position 2792, C replaced by T.
Protein change: p.Thr931Ile; replaces threonine 931 with isoleucine.
Molecular consequence: missense variant.
Genome position (GRCh38, 1-based): chr12:21,848,224, G>A on the plus strand (C>T on the coding strand, the complement: ABCC9 is on the minus strand). VCF-style: chr12-21848224-G-A. GRCh37 (hg19) VCF-style: chr12-22001158-G-A.
Other names: c.1925C>T, p.Thr642Ile (NM_001377274.1); c.2792C>T, p.Thr931Ile (NM_005691.4, NM_001377273.1); short protein forms T642I, T931I.
Identifiers: ClinVar variation 1435956 (VCV001435956.8), dbSNP rs763933429, ClinGen allele CA233596955.
Genomic context (GRCh38, chr12:21,848,224, plus strand): 5'-TCCATCTGGGCTTTGGCTTCTCTTGAATACATGGCCCGTCGGAGAGTTTTCCTCTCTAAA[G>A]TAGTTTGGTCAGCTTCCATATCCTGCAGTAAACATTGTACTATCATGCAAGGAGCTAACA-3'
Protein context (NP_064693.2, residues 921-941): LEKDMEADQT[Thr931Ile]LERKTLRRAM

ClinVar aggregate classification (germline): Uncertain significance (1 of 4 stars; one submission).

Conditions:
Dilated cardiomyopathy 1O (CMD1O). Also called: CARDIOMYOPATHY, DILATED, WITH VENTRICULAR TACHYCARDIA. Identifiers: Orphanet 154, MedGen C1837839, MONDO:0012062, OMIM 608569.

Allele frequency attached by ClinVar (database versions not stated): gnomAD exomes 0.00001.
gnomAD v4.1: 6 of 1,613,460 alleles (0.00037%); highest among the groups gnomAD compares: Non-Finnish European, 0.00051%; no homozygotes.

Submission:

Labcorp Genetics (formerly Invitae), Labcorp
Classification: Uncertain significance for Dilated cardiomyopathy 1O. Last evaluated: 2022-07-06. Review status: criteria provided, single submitter. Criteria: Invitae Variant Classification Sherloc (09022015). Collection method: clinical testing. Allele origin: germline.
Comment: In summary, the available evidence is currently insufficient to determine the role of this variant in disease. Therefore, it has been classified as a Variant of Uncertain Significance. Algorithms developed to predict the effect of missense changes on protein structure and function (SIFT, PolyPhen-2, Align-GVGD) all suggest that this variant is likely to be tolerated. ClinVar contains an entry for this variant (Variation ID: 1435956). This variant has not been reported in the literature in individuals affected with ABCC9-related conditions. This variant is not present in population databases (gnomAD no frequency). This sequence change replaces threonine, which is neutral and polar, with isoleucine, which is neutral and non-polar, at codon 931 of the ABCC9 protein (p.Thr931Ile).